The following is an entry in ClinVar:

NM_020964.3(EPG5):c.5037C>T (p.Tyr1679=)

Gene: EPG5 (ectopic P-granules 5 autophagy tethering factor; minus strand). Cytogenetic location: 18q12.3.
Variant type: single nucleotide variant.
Coding change: c.5037C>T on transcript NM_020964.3 (MANE Select); coding-DNA position 5037, C replaced by T.
Protein change: p.Tyr1679=; no amino-acid change (tyrosine 1679 retained).
Molecular consequence: synonymous variant.
Genome position (GRCh38, 1-based): chr18:45,887,823, G>A on the plus strand (C>T on the coding strand, the complement: EPG5 is on the minus strand). VCF-style: chr18-45887823-G-A. GRCh37 (hg19) VCF-style: chr18-43467788-G-A.
Identifiers: ClinVar variation 749659 (VCV000749659.19), dbSNP rs374671966, ClinGen allele CA8948690.

ClinVar aggregate classification (germline): Likely benign. Review status: criteria provided, multiple submitters, no conflicts (2 of 4 stars). 3 submissions from 3 submitters: Likely benign (3). Last evaluated 2025-09-01.

Conditions:
Vici syndrome (VICIS). Identifiers: Orphanet 1493, MedGen C1855772, MONDO:0009452, OMIM 242840.

Allele frequency attached by ClinVar (database versions not stated): gnomAD exomes 0.00003 and 0.00004; gnomAD 0.00004; TOPMed 0.00004; ExAC 0.00006; ESP Exome Variant Server 0.00016.
gnomAD v4.1: 54 of 1,605,064 alleles (0.0034%); highest among the groups gnomAD compares: South Asian, 0.0044%; no homozygotes.

Submissions (3):

CeGaT Center for Human Genetics Tuebingen
Classification: Likely benign. Last evaluated: 2025-09-01. Review status: criteria provided, single submitter. Criteria: CeGaT Center For Human Genetics Tuebingen Variant Classification Criteria Version 2. Collection method: clinical testing. Allele origin: germline. Affected: yes. Observed: 1 variant allele.
Comment: EPG5: BP4, BP7

Labcorp Genetics (formerly Invitae), Labcorp
Classification: Likely benign for Vici syndrome. Last evaluated: 2025-02-20. Review status: criteria provided, single submitter. Criteria: Invitae Variant Classification Sherloc (09022015). Collection method: clinical testing. Allele origin: germline.

Blueprint Genetics
Classification: Likely benign. Last evaluated: 2022-05-31. Review status: criteria provided, single submitter. Criteria: ACMG Guidelines, 2015. Collection method: clinical testing. Allele origin: germline.